The following is an entry in ClinVar:

ClinVar aggregate classification (germline): Uncertain significance. Review status: criteria provided, multiple submitters, no conflicts (2 of 4 stars). 2 submissions from 2 submitters: Uncertain significance (2). Last evaluated 2023-04-08.

Conditions:
Shprintzen-Goldberg syndrome (SGS). Also called: CRANIOSYNOSTOSIS WITH ARACHNODACTYLY AND ABDOMINAL HERNIAS; SHPRINTZEN-GOLDBERG CRANIOSYNOSTOSIS SYNDROME; Marfanoid disorder with craniosynostosis type 1; Marfanoid craniosynostosis syndrome; Shprintzen-Goldberg marfanoid syndrome. Identifiers: Orphanet 2462, MedGen C1321551, MONDO:0008426, OMIM 182212.
Familial thoracic aortic aneurysm and aortic dissection (TAAD). Also called: Thoracic aortic aneurysms and dissections. Identifiers: Orphanet 91387, MedGen C4707243, MONDO:0019625.

Submissions (2):

Ambry Genetics
Classification: Uncertain significance for Familial thoracic aortic aneurysm and aortic dissection. Last evaluated: 2023-04-08. Review status: criteria provided, single submitter. Criteria: Ambry Variant Classification Scheme 2023. Collection method: clinical testing. Allele origin: germline.
Comment: The p.A472V variant (also known as c.1415C>T), located in coding exon 4 of the SKI gene, results from a C to T substitution at nucleotide position 1415. The alanine at codon 472 is replaced by valine, an amino acid with similar properties. This amino acid position is conserved. In addition, this alteration is predicted to be tolerated by in silico analysis. Since supporting evidence is limited at this time, the clinical significance of this alteration remains unclear.

MGZ Medical Genetics Center
Classification: Uncertain significance for Shprintzen-Goldberg syndrome. Last evaluated: 2021-09-23. Review status: criteria provided, single submitter. Criteria: ACMG Guidelines, 2015. Collection method: clinical testing. Allele origin: germline. Affected: yes. Observed: 1 variant allele.
Comment: ACMG criteria applied: PM2_SUP

NM_003036.4(SKI):c.1415C>T (p.Ala472Val)

Gene: SKI (SKI proto-oncogene; plus strand). Cytogenetic location: 1p36.32.
Variant type: single nucleotide variant.
Coding change: c.1415C>T on transcript NM_003036.4 (MANE Select); coding-DNA position 1415, C replaced by T.
Protein change: p.Ala472Val; replaces alanine 472 with valine.
Molecular consequence: missense variant.
Genome position (GRCh38, 1-based): chr1:2,304,043, C>T. VCF-style: chr1-2304043-C-T. GRCh37 (hg19) VCF-style: chr1-2235482-C-T.
Other names: c.1415C>T (NM_003036.3); short protein forms A472V.
Identifiers: ClinVar variation 1709914 (VCV001709914.4), dbSNP rs2521487213, ClinGen allele CA337956664.
Genomic context (GRCh38, chr1:2,304,043, plus strand): 5'-CTCGGAAGCGGAAGCTGACTGTGGACACCCCAGGAGCCCCAGAGACGCTGGCGCCCGTGG[C>T]TGCCCCAGAGGAGGACAAGGACTCGGAGGCGGAGGTGGAAGTTGAAAGCAGGGAGGAATG-3'
Protein context (NP_003027.1, residues 462-482): PGAPETLAPV[Ala472Val]APEEDKDSEA